The following is an entry in ClinVar:

ClinVar aggregate classification (germline): Uncertain significance. Review status: criteria provided, multiple submitters, no conflicts (2 of 4 stars). 3 submissions from 3 submitters: Uncertain significance (3). Last evaluated 2024-04-09.

Conditions:
Colorectal cancer. Also called: Colorectal cancer, somatic; Malignant Colorectal Neoplasm. Identifiers: MedGen C0346629, MONDO:0005575, OMIM 114500.

gnomAD v4.1: 80 of 1,614,014 alleles (0.005%); highest among the groups gnomAD compares: South Asian, 0.045%; no homozygotes.

Submissions (3):

Blueprint Genetics
Classification: Uncertain significance. Last evaluated: 2024-04-09. Review status: criteria provided, single submitter. Criteria: ACMG Guidelines, 2015. Collection method: clinical testing. Allele origin: germline.

Fulgent Genetics
Classification: Uncertain significance for Colorectal cancer. Last evaluated: 2024-02-13. Review status: criteria provided, single submitter. Criteria: ACMG Guidelines, 2015. Collection method: clinical testing. Allele origin: germline.

Labcorp Genetics (formerly Invitae), Labcorp
Classification: Uncertain significance. Last evaluated: 2024-02-02. Review status: criteria provided, single submitter. Criteria: Invitae Variant Classification Sherloc (09022015). Collection method: clinical testing. Allele origin: germline.
Comment: This sequence change replaces proline, which is neutral and non-polar, with leucine, which is neutral and non-polar, at codon 944 of the DLC1 protein (p.Pro944Leu). This variant is present in population databases (rs141028457, gnomAD 0.04%). This variant has not been reported in the literature in individuals affected with DLC1-related conditions. An algorithm developed to predict the effect of missense changes on protein structure and function (PolyPhen-2) suggests that this variant is likely to be disruptive. In summary, the available evidence is currently insufficient to determine the role of this variant in disease. Therefore, it has been classified as a Variant of Uncertain Significance.

NM_182643.3(DLC1):c.2831C>T (p.Pro944Leu)

Gene: DLC1 (DLC1 Rho GTPase activating protein; minus strand). Cytogenetic location: 8p22.
Variant type: single nucleotide variant.
Coding change: c.2831C>T on transcript NM_182643.3 (MANE Select); coding-DNA position 2831, C replaced by T.
Protein change: p.Pro944Leu; replaces proline 944 with leucine.
Molecular consequence: missense variant.
Genome position (GRCh38, 1-based): chr8:13,099,506, G>A on the plus strand (C>T on the coding strand, the complement: DLC1 is on the minus strand). VCF-style: chr8-13099506-G-A. GRCh37 (hg19) VCF-style: chr8-12957015-G-A.
Other names: c.1298C>T, p.Pro433Leu (NM_001164271.2, NM_001348082.2, NM_001348083.1 and 6 more transcripts); c.1622C>T, p.Pro541Leu (NM_001316668.2, NM_001413129.1); c.2831C>T, p.Pro944Leu (NM_001348081.2, NM_001413124.1); c.1613C>T, p.Pro538Leu (NM_001413130.1); c.1271C>T, p.Pro424Leu (NM_001413131.1, NM_001413137.1); c.1757C>T, p.Pro586Leu (NM_001413132.1); c.1520C>T, p.Pro507Leu (NM_001413135.1, NM_001413136.1, NM_001413139.1 and 1 more transcripts); c.1655C>T, p.Pro552Leu (NM_001413140.1); short protein forms P433L, P507L, P944L, P552L, P538L, P541L, P586L, P424L.
Identifiers: ClinVar variation 3595116 (VCV003595116.4).
Genomic context (GRCh38, chr8:13,099,506, plus strand): 5'-AGGTCGCTGGGTGTGGTTCGGTCGTTGTCCACATCCAGGTGTATCTGTTTTGGAGAGGAC[G>A]GGCAGGGAGAGACCGAGTCCAGGGCTGAGTCCGAATCTCCCTCATCAGAAAACTTCTCCG-3'
Protein context (NP_872584.2, residues 934-954): DSALDSVSPC[Pro944Leu]SSPKQIHLDV